The following is an entry in ClinVar:

ClinVar aggregate classification (germline): Uncertain significance. Review status: criteria provided, multiple submitters, no conflicts (2 of 4 stars). 3 submissions from 3 submitters: Uncertain significance (3). Last evaluated 2025-11-08.

Allele frequency attached by ClinVar (database versions not stated): ExAC 0.00004; gnomAD exomes 0.00004 and 0.00013; gnomAD 0.00009; TOPMed 0.00009; ESP Exome Variant Server 0.00015; 1000 Genomes Project 30x 0.00016; 1000 Genomes Project 0.00020.
gnomAD v4.1: 210 of 1,613,708 alleles (0.013%); highest among the groups gnomAD compares: Middle Eastern, 0.05%; no homozygotes.

Submissions (3):

Ambry Genetics
Classification: Uncertain significance. Last evaluated: 2025-11-08. Review status: criteria provided, single submitter. Criteria: Ambry Variant Classification Scheme 2023. Collection method: clinical testing. Allele origin: germline.

Labcorp Genetics (formerly Invitae), Labcorp
Classification: Uncertain significance. Last evaluated: 2025-07-29. Review status: criteria provided, single submitter. Criteria: Invitae Variant Classification Sherloc (09022015). Collection method: clinical testing. Allele origin: germline.
Comment: This sequence change replaces arginine, which is basic and polar, with cysteine, which is neutral and slightly polar, at codon 309 of the MKL1 protein (p.Arg309Cys). This variant is present in population databases (rs149876356, gnomAD 0.01%). This variant has not been reported in the literature in individuals affected with MKL1-related conditions. ClinVar contains an entry for this variant (Variation ID: 1683104). An algorithm developed to predict the effect of missense changes on protein structure and function (PolyPhen-2) suggests that this variant is likely to be disruptive. In summary, the available evidence is currently insufficient to determine the role of this variant in disease. Therefore, it has been classified as a Variant of Uncertain Significance.

Blueprint Genetics
Classification: Uncertain significance. Last evaluated: 2024-11-15. Review status: criteria provided, single submitter. Criteria: ACMG Guidelines, 2015. Collection method: clinical testing. Allele origin: germline.

NM_020831.6(MRTFA):c.1225C>T (p.Arg409Cys)

Gene: MRTFA (myocardin related transcription factor A; minus strand). Cytogenetic location: 22q13.1.
Variant type: single nucleotide variant.
Coding change: c.1225C>T on transcript NM_020831.6 (MANE Select); coding-DNA position 1225, C replaced by T.
Protein change: p.Arg409Cys; replaces arginine 409 with cysteine.
Molecular consequence: missense variant.
Genome position (GRCh38, 1-based): chr22:40,420,533, G>A on the plus strand (C>T on the coding strand, the complement: MRTFA is on the minus strand). VCF-style: chr22-40420533-G-A. GRCh37 (hg19) VCF-style: chr22-40816537-G-A.
Other names: c.925C>T, p.Arg309Cys (NM_001282660.2); c.1075C>T, p.Arg359Cys (NM_001282661.3); c.1225C>T, p.Arg409Cys (NM_001282662.3); c.1030C>T, p.Arg344Cys (NM_001318139.2); c.925C>T (NM_020831.3); short protein forms R309C, R344C, R359C, R409C.
Identifiers: ClinVar variation 1683104 (VCV001683104.9), dbSNP rs149876356, ClinGen allele CA10249740.